The following is an entry in ClinVar:

NM_007359.5(CASC3):c.2007C>A (p.Pro669=)

Gene: CASC3 (CASC3 exon junction complex subunit; plus strand). Cytogenetic location: 17q21.1.
Variant type: single nucleotide variant.
Coding change: c.2007C>A on transcript NM_007359.5 (MANE Select); coding-DNA position 2007, C replaced by A.
Protein change: p.Pro669=; no amino-acid change (proline 669 retained).
Molecular consequence: synonymous variant.
Genome position (GRCh38, 1-based): chr17:40,169,365, C>A. VCF-style: chr17-40169365-C-A. GRCh37 (hg19) VCF-style: chr17-38325618-C-A.
Identifiers: ClinVar variation 2647735 (VCV002647735.24), dbSNP rs771979816, ClinGen allele CA290487759.

ClinVar aggregate classification (germline): Likely benign (1 of 4 stars; one submission).

gnomAD v4.1: 29 of 1,613,076 alleles (0.0018%); highest among the groups gnomAD compares: Middle Eastern, 0.25%; no homozygotes.

Submission:

CeGaT Center for Human Genetics Tuebingen
Classification: Likely benign. Last evaluated: 2023-02-01. Review status: criteria provided, single submitter. Criteria: CeGaT Center For Human Genetics Tuebingen Variant Classification Criteria Version 2. Collection method: clinical testing. Allele origin: germline. Affected: yes. Observed: 1 variant allele.
Comment: CASC3: BP4, BP7